The following is an entry in ClinVar:

NM_001353345.2(SETD1B):c.1960G>A (p.Ala654Thr)

Gene: SETD1B (SET domain containing 1B, histone lysine methyltransferase; plus strand). Cytogenetic location: 12q24.31.
Variant type: single nucleotide variant.
Coding change: c.1960G>A on transcript NM_001353345.2 (MANE Select); coding-DNA position 1960, G replaced by A.
Protein change: p.Ala654Thr; replaces alanine 654 with threonine.
Molecular consequence: missense variant.
Genome position (GRCh38, 1-based): chr12:121,814,175, G>A. VCF-style: chr12-121814175-G-A. GRCh37 (hg19) VCF-style: chr12-122252081-G-A.
Other names: NM_015048.1:c.1960G>A; short protein forms A654T.
Identifiers: ClinVar variation 3385138 (VCV003385138.2).

ClinVar aggregate classification (germline): Uncertain significance. Review status: criteria provided, multiple submitters, no conflicts (2 of 4 stars). 2 submissions from 2 submitters: Uncertain significance (2). Last evaluated 2024-10-22.

Conditions:
Inborn genetic diseases. Identifiers: MedGen C0950123, MeSH D030342.

gnomAD v4.1: 17 of 1,546,506 alleles (0.0011%); highest among the groups gnomAD compares: African/African-American, 0.0041%; no homozygotes.

Submissions (2):

Women's Health and Genetics/Laboratory Corporation of America, LabCorp
Classification: Uncertain significance. Last evaluated: 2024-10-22. Review status: criteria provided, single submitter. Criteria: LabCorp Variant Classification Summary - May 2015. Collection method: clinical testing. Allele origin: germline.
Comment: Variant summary: SETD1B c.1960G>A (p.Ala654Thr) results in a non-conservative amino acid change in the encoded protein sequence. Three of five in-silico tools predict a damaging effect of the variant on protein function. The variant was absent in 145168 control chromosomes. The available data on variant occurrences in the general population are insufficient to allow any conclusion about variant significance. To our knowledge, no occurrence of c.1960G>A in individuals affected with Intellectual Developmental Disorder With Seizures And Language Delay and no experimental evidence demonstrating its impact on protein function have been reported. No submitters have cited clinical-significance assessments for this variant to ClinVar. Based on the evidence outlined above, the variant was classified as uncertain significance.

Ambry Genetics
Classification: Uncertain significance for Inborn genetic diseases. Last evaluated: 2024-10-08. Review status: criteria provided, single submitter. Criteria: Ambry Variant Classification Scheme 2023. Collection method: clinical testing. Allele origin: germline.